The following is an entry in ClinVar:

ClinVar aggregate classification (germline): Conflicting classifications of pathogenicity. Review status: criteria provided, conflicting classifications (1 of 4 stars). 29 submissions from 26 submitters: Pathogenic (1); Uncertain significance (12); Benign (5); Likely benign (5). 6 of the submissions do not count toward it. Last evaluated 2026-08-06.

Conditions:
Cystic fibrosis diagnostic test.
CFTR-related disorder (CFTR-RD). Also called: CFTR-related condition; CFTR-related disorders. Identifiers: MedGen C5924204, MONDO:7770004.
Hereditary pancreatitis (PCTT). Also called: Hereditary chronic pancreatitis; PRSS1-Related Hereditary Pancreatitis. Identifiers: Orphanet 676, MedGen C0238339, MONDO:0008185, OMIM 167800.
Bronchiectasis with or without elevated sweat chloride 1 (BESC1). Also called: Cystic Fibrosis-Like Syndrome. Identifiers: Orphanet 60033, MedGen C2749757, MONDO:0008887, OMIM 211400.
Congenital bilateral aplasia of vas deferens from CFTR mutation (CBAVD). Identifiers: Orphanet 48, MedGen C0403814, MONDO:0010178, OMIM 277180. Disease mechanism: loss of function.
Cystic fibrosis (CF). Also called: MUCOVISCIDOSIS. Identifiers: Orphanet 586, MedGen C0010674, MONDO:0009061, OMIM 219700. Disease mechanism: loss of function.
Lung disease, non-specific.
Chronic sinusitis. Identifiers: MedGen C0149516, MONDO:0006031, HP:0011109.

Allele frequency attached by ClinVar (database versions not stated): gnomAD 0.00519 and 0.00500; 1000 Genomes Project 0.00240; TOPMed 0.00486; 1000 Genomes Project 30x 0.00234.
gnomAD v4.1: 10,905 of 1,602,812 alleles (0.68%); highest among the groups gnomAD compares: Non-Finnish European, 0.83%; 52 homozygotes.

Submissions 1 to 12 of 29:

NHS Central & South Genomic Laboratory Hub
Classification: Uncertain significance for Cystic fibrosis diagnostic test. Last evaluated: 2026-08-06. Review status: criteria provided, single submitter. Criteria: ACMG Guidelines, 2015. Collection method: clinical testing. Allele origin: germline. Affected: yes.

Ambry Genetics
Classification: Uncertain significance for Cystic fibrosis. Last evaluated: 2026-05-19. Review status: criteria provided, single submitter. Criteria: Ambry Variant Classification Scheme 2023. Collection method: clinical testing. Allele origin: germline.
Comment: The p.G576A variant (also known as c.1727G>C), located in coding exon 13 of the CFTR gene, results from a G to C substitution at nucleotide position 1727. The glycine at codon 576 is replaced by alanine, an amino acid with similar properties. The p.G576A variant has been reported in isolation or as a part of a complex allele (in cis) with the following CFTR variants: p.G149R, p.D443Y, and p.R668C (El-Seedy A et al. Hum. Mutat., 2012 Nov;33:1557-65). The phenotypic spectrum associated with p.G576A and these complex alleles is variable and ranges from healthy individuals (p.[G576A;R668C]) to congenital bilateral absence of the vas deferens (CBAVD) (p.[D443Y;G576A;R668C] or p.G576A in isolation), to pancreatic insuficiency (p.[G576A;R668C]) and classic cystic fibrosis (CF) (p.[G149R;G576A;R668C]) (Anguiano A et al. JAMA, 1992 Apr;267:1794-7; El-Seedy A et al. Hum. Mutat., 2012 Nov;33:1557-65; Sosnay PR et al. Nat. Genet., 2013 Oct;45:1160-7; Salinas DB et al. J. Cyst. Fibros., 2015 Nov;14:714-9; Grangeia A et al. Pulmonology Mar;24:3-9). In functional studies, p.G576A was shown to increase skipping of exon 13 in human epithelial cells and multiple cell lines (Pagani F et al. Hum. Mol. Genet., 2003 May;12:1111-20; Bergougnoux A et al. J. Cyst. Fibros., 2015 Sep;14:646-53). This amino acid position is not well conserved in available vertebrate species. In addition, this alteration is predicted to be deleterious by in silico analysis. Based on available evidence to date, this variant is unlikely to be causative of classic CF; however, its contribution to the development of a CFTR-related disorder is uncertain. This alteration is thus classified as a variant of unknown significance.

Labcorp Genetics (formerly Invitae), Labcorp
Classification: Benign for Cystic fibrosis. Last evaluated: 2026-02-04. Review status: criteria provided, single submitter. Criteria: Invitae Variant Classification Sherloc (09022015). Collection method: clinical testing. Allele origin: germline.

Quest Diagnostics Nichols Institute San Juan Capistrano
Classification: Likely benign. Last evaluated: 2025-11-04. Review status: criteria provided, single submitter. Criteria: Quest Diagnostics criteria. Collection method: clinical testing. Allele origin: unknown.

Revvity Omics, Revvity
Classification: Uncertain significance. Last evaluated: 2024-12-23. Review status: criteria provided, single submitter. Criteria: ACMG Guidelines, 2015. Collection method: clinical testing. Allele origin: germline.

Blueprint Genetics
Classification: Likely benign. Last evaluated: 2024-11-25. Review status: criteria provided, single submitter. Criteria: ACMG Guidelines, 2015. Collection method: clinical testing. Allele origin: germline.

Greenwood Genetic Center Diagnostic Laboratories, Greenwood Genetic Center
Classification: Uncertain significance. Last evaluated: 2024-09-11. Review status: criteria provided, single submitter. Criteria: ACMG Guidelines, 2015. Collection method: clinical testing. Allele origin: germline. Affected: yes.
Comment: BS1

CFTR-France
Classification: Benign for CFTR-related disorders. Last evaluated: 2024-08-02. Review status: criteria provided, single submitter. Criteria: Claustres M et al. (Hum Mutat 2017). Collection method: curation. Allele origin: germline. Affected: yes and no. Observed: 2 variant alleles.

CeGaT Center for Human Genetics Tuebingen
Classification: Pathogenic. Last evaluated: 2024-04-01. Review status: criteria provided, single submitter. Criteria: CeGaT Center For Human Genetics Tuebingen Variant Classification Criteria Version 2. Collection method: clinical testing. Allele origin: germline. Affected: yes. Observed: 18 variant alleles.
Comment: CFTR: PM3:Very Strong, PM2, PS3:Moderate

Fulgent Genetics
Classification: Likely benign for Hereditary pancreatitis; Bronchiectasis with or without elevated sweat chloride 1; Cystic fibrosis; Congenital bilateral aplasia of vas deferens from CFTR mutation. Last evaluated: 2024-03-26. Review status: criteria provided, single submitter. Criteria: ACMG Guidelines, 2015. Collection method: clinical testing. Allele origin: germline.

PreventionGenetics, part of Exact Sciences
Classification: Uncertain significance for CFTR-related condition. Last evaluated: 2023-10-11. Review status: criteria provided, single submitter. Criteria: ACMG Guidelines, 2015. Collection method: clinical testing. Allele origin: germline.
Comment: The CFTR c.1727G>C variant is predicted to result in the amino acid substitution p.Gly576Ala. Both the c.1727G>C (p.Gly576Ala) and c.2002C>T (p.Arg668Cys) variants individually are found with global minor allele frequencies of >0.5%, including several homozygotes. Additionally, these two variants individually have been classified as non-CFTR disease-causing in a separate study (see supplemental table 2 in Sosnay et al. 2013. PubMed ID: 23974870). When these variants are present on the same allele, designated as c.[1727G>C, 2002C>T], this complex allele has been reported in patients with pancreatitis and other CFTR-related disorders, including pulmonary disease and congenital bilateral absence of the vas deferens (see for example Gallati et al. 2009. PubMed ID: 20021716; Masson et al. 2013. PubMed ID: 23951356; El-Seedy et al. 2012. PubMed ID: 22678879). Functional studies of the c.[1727G>C; 2002C>T] variant in HeLa cells showed no impairment of CFTR glycosylation or membrane localization, but decreased chloride channel activity (El-Seedy et al. 2012. PubMed ID: 22678879). Due to conflicting findings, the clinical significance of the c.1727G>C and c.2002C>T variants is currently uncertain.

Mendelics
Classification: Benign for Cystic fibrosis. Last evaluated: 2023-08-22. Review status: criteria provided, single submitter. Criteria: Mendelics Assertion Criteria 2019. Collection method: clinical testing. Allele origin: germline.

NM_000492.4(CFTR):c.1727G>C (p.Gly576Ala)

Gene: CFTR (CF transmembrane conductance regulator; plus strand). Cytogenetic location: 7q31.2.
Variant type: single nucleotide variant.
Coding change: c.1727G>C on transcript NM_000492.4 (MANE Select); coding-DNA position 1727, G replaced by C.
Protein change: p.Gly576Ala; replaces glycine 576 with alanine.
Molecular consequence: missense variant.
Genome position (GRCh38, 1-based): chr7:117,590,400, G>C. VCF-style: chr7-117590400-G-C. GRCh37 (hg19) VCF-style: chr7-117230454-G-C.
Other names: short protein forms G576A.
Identifiers: ClinVar variation 7165 (VCV000007165.99), dbSNP rs1800098, ClinGen allele CA182838.
Genomic context (GRCh38, chr7:117,590,400, plus strand): 5'-ATTTTCTTTTTAGAGCAGTATACAAAGATGCTGATTTGTATTTATTAGACTCTCCTTTTG[G>C]ATACCTAGATGTTTTAACAGAAAAAGAAATATTTGAAAGGTATGTTCTTTGAATACCTTA-3'
Protein context (NP_000483.3, residues 566-586): ADLYLLDSPF[Gly576Ala]YLDVLTEKEI